The following is an entry in ClinVar:

ClinVar aggregate classification (germline): Uncertain significance (1 of 4 stars; one submission).

Conditions:
Intellectual developmental disorder, autosomal dominant 66. Also called: MENTAL RETARDATION, AUTOSOMAL DOMINANT 66. Identifiers: MedGen C5677000, MONDO:0030891, OMIM 619910.

gnomAD v4.1: 10 of 1,611,840 alleles (0.00062%); highest among the groups gnomAD compares: Admixed American, 0.005%; no homozygotes.

Submission:

Laboratorio de Biologia Molecular/Medicina Genomica - IFF/Fiocruz, Instituto Fernandes Figueira, Fundacao Oswaldo Cruz
Classification: Uncertain significance for Intellectual developmental disorder, autosomal dominant 66. Last evaluated: 2025-09-02. Review status: criteria provided, single submitter. Criteria: ACMG Guidelines, 2015. Collection method: clinical testing. Allele origin: germline. Affected: yes. Observed: 1 variant allele.
Comment: Variant: c.1462G>A (p.Val488Ile) in exon 10 of the ATP2B1 gene. Protein effect: Missense substitution at highly conserved residue. In silico tools: Do not predict a deleterious impact. Population database (gnomAD): Extremely rare. ACMG/AMP criteria applied: PM2_Supporting.

NM_001366521.1(ATP2B1):c.1462G>A (p.Val488Ile)

Gene: ATP2B1 (ATPase plasma membrane Ca2+ transporting 1; minus strand). Cytogenetic location: 12q21.33.
Variant type: single nucleotide variant.
Coding change: c.1462G>A on transcript NM_001366521.1 (MANE Select); coding-DNA position 1462, G replaced by A.
Protein change: p.Val488Ile; replaces valine 488 with isoleucine.
Molecular consequence: missense variant. On other transcripts: non-coding transcript variant (3), intron variant (1).
Genome position (GRCh38, 1-based): chr12:89,621,674, C>T on the plus strand (G>A on the coding strand, the complement: ATP2B1 is on the minus strand). VCF-style: chr12-89621674-C-T. GRCh37 (hg19) VCF-style: chr12-90015451-C-T.
Other names: c.1462G>A, p.Val488Ile (NM_001001323.2, NM_001366520.1, NM_001366522.1 and 12 more transcripts); c.1423G>A, p.Val475Ile (NM_001413048.1); c.1321G>A, p.Val441Ile (NM_001413051.1, NM_001413052.1, NM_001413055.1); c.1264G>A, p.Val422Ile (NM_001413053.1, NM_001366530.1); c.1207G>A, p.Val403Ile (NM_001413056.1); c.901G>A, p.Val301Ile (NM_001366531.1, NM_001366532.1, NM_001413058.1 and 2 more transcripts); c.1009G>A, p.Val337Ile (NM_001413057.1); c.1345-1434G>A (NM_001413054.1); short protein forms V301I, V337I, V403I, V422I, V441I, V475I, V488I.
Identifiers: ClinVar variation 4795204 (VCV004795204.1).